The following is an entry in ClinVar:

ClinVar aggregate classification (germline): Uncertain significance (1 of 4 stars; one submission).

Conditions:
Neurodevelopmental disorder with coarse facies and mild distal skeletal abnormalities. Also called: STOLERMAN NEURODEVELOPMENTAL SYNDROME. Identifiers: MedGen C5193134, MONDO:0032790, OMIM 618505.

gnomAD v4.1: 3 of 1,608,496 alleles (0.00019%); highest among the groups gnomAD compares: Non-Finnish European, 0.00025%; no homozygotes.

Submission:

Neuberg Centre For Genomic Medicine, NCGM
Classification: Uncertain significance for Neurodevelopmental disorder with coarse facies and mild distal skeletal abnormalities. Last evaluated: 2023-06-22. Review status: criteria provided, single submitter. Criteria: ACMG Guidelines, 2015. Collection method: clinical testing. Allele origin: germline. Inheritance: Autosomal dominant inheritance. Affected: yes.
Comment: The missense variant c.3091C>T(p.Arg1031Cys) in KDM6B gene has not been reported previously as a pathogenic variant nor as a benign variant, to our knowledge. The observed variant is absent in gnomAD exomes database. This variant has not been submitted to the ClinVar database. Multiple lines of computational evidence (Polyphen - probably damaging, SIFT - damaging and MutationTaster - disease causing) predict a damaging effect on protein structure and function for this variant. The reference amino acid change p.Arg1031Cys in KDM6B is predicted as conserved by GERP++ and PhyloP across 100 vertebrates. The amino acid Arg at position 1031 is changed to a Cys changing protein sequence and it might alter its composition and physico-chemical properties. For these reasons, this variant has been classified as uncertain Significance (VUS).

NM_001348716.2(KDM6B):c.3091C>T (p.Arg1031Cys)

Gene: KDM6B (lysine demethylase 6B; plus strand). Cytogenetic location: 17p13.1.
Variant type: single nucleotide variant.
Coding change: c.3091C>T on transcript NM_001348716.2 (MANE Select); coding-DNA position 3091, C replaced by T.
Protein change: p.Arg1031Cys; replaces arginine 1031 with cysteine.
Molecular consequence: missense variant.
Genome position (GRCh38, 1-based): chr17:7,849,379, C>T. VCF-style: chr17-7849379-C-T. GRCh37 (hg19) VCF-style: chr17-7752697-C-T.
Other names: c.3091C>T, p.Arg1031Cys (NM_001080424.2); short protein forms R1031C.
Identifiers: ClinVar variation 3377605 (VCV003377605.1).